The following is an entry in ClinVar:

NM_000539.3(RHO):c.962T>A (p.Ile321Asn)

Gene: RHO (rhodopsin; plus strand). Cytogenetic location: 3q22.1.
Variant type: single nucleotide variant.
Coding change: c.962T>A on transcript NM_000539.3 (MANE Select); coding-DNA position 962, T replaced by A.
Protein change: p.Ile321Asn; replaces isoleucine 321 with asparagine.
Molecular consequence: missense variant.
Genome position (GRCh38, 1-based): chr3:129,533,633, T>A. VCF-style: chr3-129533633-T-A. GRCh37 (hg19) VCF-style: chr3-129252476-T-A.
Other names: short protein forms I321N.
Identifiers: ClinVar variation 861995 (VCV000861995.13), dbSNP rs1316267671, ClinGen allele CA354471121.

ClinVar aggregate classification (germline): Uncertain significance. Review status: criteria provided, multiple submitters, no conflicts (2 of 4 stars). 3 submissions from 2 submitters: Uncertain significance (3). Last evaluated 2024-09-14.

Conditions:
Congenital stationary night blindness autosomal dominant 1. Also called: NIGHT BLINDNESS, CONGENITAL STATIONARY, RHODOPSIN-RELATED. Identifiers: Orphanet 215, MedGen C1864869, MONDO:0012498, OMIM 610445.
Retinitis pigmentosa (RP). Identifiers: Orphanet 791, MedGen C0035334, MeSH D012174, MONDO:0019200, OMIM 268000. Inheritance: Autosomal dominant, autosomal recessive and X linked inheritance.

Allele frequency attached by ClinVar (database versions not stated): gnomAD exomes below 0.00001 and 0.00001; gnomAD 0.00001; TOPMed 0.00002.

Submissions (3):

Labcorp Genetics (formerly Invitae), Labcorp
Classification: Uncertain significance. Last evaluated: 2024-09-14. Review status: criteria provided, single submitter. Criteria: Invitae Variant Classification Sherloc (09022015). Collection method: clinical testing. Allele origin: germline.
Comment: This sequence change replaces isoleucine, which is neutral and non-polar, with asparagine, which is neutral and polar, at codon 321 of the RHO protein (p.Ile321Asn). This variant is present in population databases (no rsID available, gnomAD 0.003%). This missense change has been observed in individual(s) with retinitis pigmentosa (internal data). ClinVar contains an entry for this variant (Variation ID: 861995). Invitae Evidence Modeling of protein sequence and biophysical properties (such as structural, functional, and spatial information, amino acid conservation, physicochemical variation, residue mobility, and thermodynamic stability) has been performed for this missense variant. However, the output from this modeling did not meet the statistical confidence thresholds required to predict the impact of this variant on RHO protein function. In summary, the available evidence is currently insufficient to determine the role of this variant in disease. Therefore, it has been classified as a Variant of Uncertain Significance.

Illumina Laboratory Services, Illumina
Classification: Uncertain significance for Congenital stationary night blindness autosomal dominant 1. Last evaluated: 2017-04-27. Review status: criteria provided, single submitter. Criteria: ICSL Variant Classification Criteria 13 December 2019. Collection method: clinical testing. Allele origin: germline.

Illumina Laboratory Services, Illumina
Classification: Uncertain significance for Retinitis pigmentosa. Last evaluated: 2017-04-27. Review status: criteria provided, single submitter. Criteria: ICSL Variant Classification Criteria 13 December 2019. Collection method: clinical testing. Allele origin: germline.